The following is an entry in ClinVar:

ClinVar aggregate classification (germline): Uncertain significance (1 of 4 stars; one submission).

Conditions:
Developmental and epileptic encephalopathy, 11 (DEE11). Also called: Early infantile epileptic encephalopathy 11. Identifiers: Orphanet 1934, MedGen C3150987, MONDO:0013388, OMIM 613721.
Seizures, benign familial infantile, 3 (BFIS3). Also called: CONVULSIONS, BENIGN FAMILIAL INFANTILE, 3; Familial neonatal seizures. Identifiers: Orphanet 140927, Orphanet 306, MedGen C1843140, MONDO:0011904, OMIM 607745.

Submission:

Labcorp Genetics (formerly Invitae), Labcorp
Classification: Uncertain significance for Seizures, benign familial infantile, 3; Developmental and epileptic encephalopathy, 11. Last evaluated: 2025-12-02. Review status: criteria provided, single submitter. Criteria: Invitae Variant Classification Sherloc (09022015). Collection method: clinical testing. Allele origin: germline.
Comment: This sequence change replaces isoleucine, which is neutral and non-polar, with threonine, which is neutral and polar, at codon 1367 of the SCN2A protein (p.Ile1367Thr). This variant is not present in population databases (gnomAD no frequency). This variant has not been reported in the literature in individuals affected with SCN2A-related conditions. Invitae Evidence Modeling of protein sequence and biophysical properties (such as structural, functional, and spatial information, amino acid conservation, physicochemical variation, residue mobility, and thermodynamic stability) indicates that this missense variant is expected to disrupt SCN2A protein function with a positive predictive value of 95%. In summary, the available evidence is currently insufficient to determine the role of this variant in disease. Therefore, it has been classified as a Variant of Uncertain Significance.

NM_001040142.2(SCN2A):c.4100T>C (p.Ile1367Thr)

Gene: SCN2A (sodium voltage-gated channel alpha subunit 2; plus strand). Cytogenetic location: 2q24.3.
Variant type: single nucleotide variant.
Coding change: c.4100T>C on transcript NM_001040142.2 (MANE Select); coding-DNA position 4100, T replaced by C.
Protein change: p.Ile1367Thr; replaces isoleucine 1367 with threonine.
Molecular consequence: missense variant.
Genome position (GRCh38, 1-based): chr2:165,374,812, T>C. VCF-style: chr2-165374812-T-C. GRCh37 (hg19) VCF-style: chr2-166231322-T-C.
Other names: c.4100T>C, p.Ile1367Thr (NM_001040143.2, NM_001371246.1, NM_001371247.1 and 1 more transcripts); short protein forms I1367T.
Identifiers: ClinVar variation 4789352 (VCV004789352.1).